The following is an entry in ClinVar:

NM_000486.6(AQP2):c.*425T>C

Genes: AQP2 (aquaporin 2; plus strand), AQP5-AS1 (AQP5 and AQP2 antisense RNA 2; minus strand). Cytogenetic location: 12q13.12.
Variant type: single nucleotide variant.
Coding change: c.*425T>C on transcript NM_000486.6 (MANE Select); 425 bases downstream of the stop codon, T replaced by C.
Molecular consequence: 3 prime UTR variant.
Genome position (GRCh38, 1-based): chr12:49,956,033, T>C. VCF-style: chr12-49956033-T-C. GRCh37 (hg19) VCF-style: chr12-50349816-T-C.
Identifiers: ClinVar variation 882631 (VCV000882631.4), dbSNP rs149425435, ClinGen allele CA236736630.

ClinVar aggregate classification (germline): Likely benign (1 of 4 stars; one submission).

Conditions:
Diabetes insipidus, nephrogenic, autosomal (NDI2). Also called: Diabetes insipidus, nephrogenic, 2, autosomal; Nephrogenic Diabetes Insipidus, Type II. Identifiers: Orphanet 223, MedGen C1563706, MONDO:0007451, OMIM 125800.

Allele frequency attached by ClinVar (database versions not stated): gnomAD 0.00039 and 0.00050; TOPMed 0.00051; gnomAD exomes 0.00056; 1000 Genomes Project 30x 0.00187; 1000 Genomes Project 0.00220.
gnomAD v4.1: 160 of 307,808 alleles (0.052%); highest among the groups gnomAD compares: East Asian, 1.2%; 2 homozygotes.

Submission:

Illumina Laboratory Services, Illumina
Classification: Likely benign for Diabetes insipidus, nephrogenic, autosomal. Last evaluated: 2018-01-13. Review status: criteria provided, single submitter. Criteria: ICSL Variant Classification Criteria 13 December 2019. Collection method: clinical testing. Allele origin: germline.
Comment: This variant was observed in the ICSL laboratory as part of a predisposition screen in an ostensibly healthy population. It had not been previously curated by ICSL or reported in the Human Gene Mutation Database (HGMD: prior to June 1st, 2018), and was therefore a candidate for classification through an automated scoring system. Utilizing variant allele frequency, disease prevalence and penetrance estimates, and inheritance mode, an automated score was calculated to assess if this variant is too frequent to cause the disease. Based on the score and internal cut-off values, a variant classified as likely benign is not then subjected to further curation. The score for this variant resulted in a classification of likely benign for this disease.